The following is an entry in ClinVar:

NM_024675.4(PALB2):c.2773G>T (p.Val925Leu)

Gene: PALB2 (partner and localizer of BRCA2; minus strand). Cytogenetic location: 16p12.2.
Variant type: single nucleotide variant.
Coding change: c.2773G>T on transcript NM_024675.4 (MANE Select); coding-DNA position 2773, G replaced by T.
Protein change: p.Val925Leu; replaces valine 925 with leucine.
Molecular consequence: missense variant.
Genome position (GRCh38, 1-based): chr16:23,624,070, C>A on the plus strand (G>T on the coding strand, the complement: PALB2 is on the minus strand). VCF-style: chr16-23624070-C-A. GRCh37 (hg19) VCF-style: chr16-23635391-C-A.
Other names: c.2713G>T, p.Val905Leu (NM_001407296.1); c.2701G>T, p.Val901Leu (NM_001407297.1); c.2611G>T, p.Val871Leu (NM_001407298.1, NM_001407302.1); c.2773G>T, p.Val925Leu (NM_001407299.1, NM_001407300.1, NM_001407301.1); c.1888G>T, p.Val630Leu (NM_001407304.1, NM_001407305.1, NM_001407306.1 and 4 more transcripts); c.1726G>T, p.Val576Leu (NM_001407307.1); c.985G>T, p.Val329Leu (NM_001407312.1, NM_001407313.1); c.307G>T, p.Val103Leu (NM_001407314.1); short protein forms V329L, V901L, V925L, V103L, V576L, V871L, V905L, V630L.
Identifiers: ClinVar variation 2755715 (VCV002755715.3), dbSNP rs180177125, ClinGen allele CA395145137.

ClinVar aggregate classification (germline): Uncertain significance (1 of 4 stars; one submission).

Conditions:
Familial cancer of breast. Also called: BREAST CANCER, FAMILIAL; hereditary breast carcinoma; Hereditary breast cancer. Identifiers: Orphanet 227535, MedGen C0346153, MONDO:0016419, OMIM 114480. Disease mechanism: loss of function.

Submission:

Labcorp Genetics (formerly Invitae), Labcorp
Classification: Uncertain significance for Familial cancer of breast. Last evaluated: 2023-08-27. Review status: criteria provided, single submitter. Criteria: Invitae Variant Classification Sherloc (09022015). Collection method: clinical testing. Allele origin: germline.
Comment: This variant is not present in population databases (gnomAD no frequency). This sequence change replaces valine, which is neutral and non-polar, with leucine, which is neutral and non-polar, at codon 925 of the PALB2 protein (p.Val925Leu). In summary, the available evidence is currently insufficient to determine the role of this variant in disease. Therefore, it has been classified as a Variant of Uncertain Significance. Advanced modeling of protein sequence and biophysical properties (such as structural, functional, and spatial information, amino acid conservation, physicochemical variation, residue mobility, and thermodynamic stability) performed at Invitae indicates that this missense variant is not expected to disrupt PALB2 protein function. This missense change has been observed in individual(s) with prostate and breast cancer (PMID: 18288683, 19763884).

Literature cited by the submitters: PubMed 18288683; PubMed 19763884.